The following is an entry in ClinVar:

ClinVar aggregate classification (germline): Likely benign. Review status: criteria provided, multiple submitters, no conflicts (2 of 4 stars). 2 submissions from 2 submitters: Likely benign (2). Last evaluated 2025-06-04.

Conditions:
BBS4-related disorder. Also called: BBS4-related condition.
Bardet-Biedl syndrome (BBS). Identifiers: Orphanet 110, MedGen C0752166, MONDO:0015229.

Allele frequency attached by ClinVar (database versions not stated): gnomAD exomes below 0.00001; gnomAD 0.00003; TOPMed 0.00003.
gnomAD v4.1: 7 of 1,614,098 alleles (0.00043%); highest among the groups gnomAD compares: African/African-American, 0.008%; no homozygotes.

Submissions (2):

PreventionGenetics, part of Exact Sciences
Classification: Likely benign for BBS4-related condition. Last evaluated: 2025-06-04. Review status: criteria provided, single submitter. Criteria: ACMG Guidelines, 2015. Collection method: clinical testing. Allele origin: germline.
Comment: This variant is classified as likely benign based on ACMG/AMP sequence variant interpretation guidelines (Richards et al. 2015 PMID: 25741868, with internal and published modifications).

Labcorp Genetics (formerly Invitae), Labcorp
Classification: Likely benign for Bardet-Biedl syndrome. Last evaluated: 2023-12-13. Review status: criteria provided, single submitter. Criteria: Invitae Variant Classification Sherloc (09022015). Collection method: clinical testing. Allele origin: germline.

NM_033028.5(BBS4):c.1299A>G (p.Ala433=)

Gene: BBS4 (Bardet-Biedl syndrome 4; plus strand). Cytogenetic location: 15q24.1.
Variant type: single nucleotide variant.
Coding change: c.1299A>G on transcript NM_033028.5 (MANE Select); coding-DNA position 1299, A replaced by G.
Protein change: p.Ala433=; no amino-acid change (alanine 433 retained).
Molecular consequence: synonymous variant. On other transcripts: non-coding transcript variant (2).
Genome position (GRCh38, 1-based): chr15:72,736,812, A>G. VCF-style: chr15-72736812-A-G. GRCh37 (hg19) VCF-style: chr15-73029153-A-G.
Other names: c.1299A>G (NM_033028.4); c.783A>G, p.Ala261= (NM_001252678.2); c.1230A>G, p.Ala410= (NM_001320665.2).
Identifiers: ClinVar variation 1975078 (VCV001975078.6), dbSNP rs1395661990, ClinGen allele CA491123226.
Genomic context (GRCh38, chr15:72,736,812, plus strand): 5'-TGGACACAAGATGGTGGAGATGGCTCAGAAGTTGGGAGCTGCTCTCCAGGTTGGGGAGGC[A>G]CTGGTCTGGACCAAACCAGTTAAAGATCCCAAATCAAAGCACCAGACCACTTCAACCAGC-3'
Protein context (NP_149017.2, residues 423-443): KLGAALQVGE[Ala433=]LVWTKPVKDP